The following is an entry in ClinVar:

NM_019616.4(F7):c.364C>G (p.His122Asp)

Gene: F7 (coagulation factor VII; plus strand). Cytogenetic location: 13q34.
Variant type: single nucleotide variant.
Coding change: c.364C>G on transcript NM_019616.4 (MANE Select); coding-DNA position 364, C replaced by G.
Protein change: p.His122Asp; replaces histidine 122 with aspartic acid.
Molecular consequence: missense variant. On other transcripts: non-coding transcript variant (1).
Genome position (GRCh38, 1-based): chr13:113,113,960, C>G. VCF-style: chr13-113113960-C-G. GRCh37 (hg19) VCF-style: chr13-113768274-C-G.
Other names: c.430C>G, p.His144Asp (NM_000131.5); c.178C>G, p.His60Asp (NM_001267554.2); short protein forms H144D, H122D, H60D.
Identifiers: ClinVar variation 4982324 (VCV004982324.1).
Genomic context (GRCh38, chr13:113,113,960, plus strand): 5'-CAGCTCCAGTCCTATATCTGCTTCTGCCTCCCTGCCTTCGAGGGCCGGAACTGTGAGACG[C>G]GTAAGGCCCCACTTTGGGTCCCATATTTGCAGAGGGCCCTGGGGAGCTGGTGGAGGTGGC-3'
Protein context (NP_062562.1, residues 112-132): PAFEGRNCET[His122Asp]KDDQLICVNE

ClinVar aggregate classification (germline): Uncertain significance (1 of 4 stars; one submission).

Conditions:
F7-related disorder. Also called: F7-related condition.

Submission:

PreventionGenetics, part of Exact Sciences
Classification: Uncertain significance for F7-related condition. Last evaluated: 2025-04-29. Review status: criteria provided, single submitter. Criteria: ACMG Guidelines, 2015. Collection method: clinical testing. Allele origin: germline.
Comment: The F7 c.430C>G variant is predicted to result in the amino acid substitution p.His144Asp. This variant has been reported in individuals with intraventricular hemorrhage or factor VII deficiency (Hausman-Kedem et al. 2021. PubMed ID: 33527515; Table S1, Halimeh et al. 2023. PubMed ID: 38202056). This variant is reported in 0.060% of alleles in individuals of Ashkenazi Jewish descent in gnomAD. At this time, the clinical significance of this variant is uncertain due to the absence of conclusive functional and genetic evidence.